The following is an entry in ClinVar:

NM_018122.5(DARS2):c.1694C>T (p.Ser565Phe)

Gene: DARS2 (aspartyl-tRNA synthetase 2, mitochondrial; plus strand). Cytogenetic location: 1q25.1.
Variant type: single nucleotide variant.
Coding change: c.1694C>T on transcript NM_018122.5 (MANE Select); coding-DNA position 1694, C replaced by T.
Protein change: p.Ser565Phe; replaces serine 565 with phenylalanine.
Molecular consequence: missense variant.
Genome position (GRCh38, 1-based): chr1:173,856,685, C>T. VCF-style: chr1-173856685-C-T. GRCh37 (hg19) VCF-style: chr1-173825823-C-T.
Other names: c.1541C>T, p.Ser514Phe (NM_001365212.1); short protein forms S514F, S565F.
Identifiers: ClinVar variation 3393682 (VCV003393682.1).
Genomic context (GRCh38, chr1:173,856,685, plus strand): 5'-CTTCAAAATATATTTAAACTGAATTATCTTTTGAATTTCAGGAGGATGTGAAAATGCTCT[C>T]CCATCTGCTCCAGGCTTTAGATTATGGGGCACCCCCTCATGGAGGAATTGCCTTAGGTAA-3'
Protein context (NP_060592.2, residues 555-575): TLLKEDVKML[Ser565Phe]HLLQALDYGA

ClinVar aggregate classification (germline): Uncertain significance (1 of 4 stars; one submission).

Submission:

GeneDx
Classification: Uncertain significance. Last evaluated: 2024-07-02. Review status: criteria provided, single submitter. Criteria: GeneDx Variant Classification Process June 2021. Collection method: clinical testing. Allele origin: germline. Affected: yes.
Comment: In silico analysis supports that this missense variant has a deleterious effect on protein structure/function; Has not been previously published as pathogenic or benign to our knowledge